The following is an entry in ClinVar:

ClinVar aggregate classification (germline): Uncertain significance (1 of 4 stars; one submission).

gnomAD v4.1: 26 of 1,607,126 alleles (0.0016%); highest among the groups gnomAD compares: Non-Finnish European, 0.0018%; no homozygotes.

Submission:

Women's Health and Genetics/Laboratory Corporation of America, LabCorp
Classification: Uncertain significance. Last evaluated: 2025-06-02. Review status: criteria provided, single submitter. Criteria: LabCorp Variant Classification Summary - May 2015. Collection method: clinical testing. Allele origin: germline.
Comment: Variant summary: PRIMPOL c.175A>G (p.Lys59Glu) results in a conservative amino acid change in the encoded protein sequence. Algorithms developed to predict the effect of missense changes on protein structure and function are either unavailable or do not agree on the potential impact of this missense change. The variant allele was found at a frequency of 8.2e-06 in 243364 control chromosomes. The available data on variant occurrences in the general population are insufficient to allow any conclusion about variant significance. To our knowledge, no occurrence of c.175A>G in individuals affected with Myopia 22, Autosomal Dominant and no experimental evidence demonstrating its impact on protein function have been reported. No submitters have cited clinical-significance assessments for this variant to ClinVar. Based on the evidence outlined above, the variant was classified as uncertain significance.

NM_152683.4(PRIMPOL):c.175A>G (p.Lys59Glu)

Gene: PRIMPOL (primase and DNA directed polymerase; plus strand). Cytogenetic location: 4q35.1.
Variant type: single nucleotide variant.
Coding change: c.175A>G on transcript NM_152683.4 (MANE Select); coding-DNA position 175, A replaced by G.
Protein change: p.Lys59Glu; replaces lysine 59 with glutamic acid.
Molecular consequence: missense variant. On other transcripts: 5 prime UTR variant (4), non-coding transcript variant (3), intron variant (2).
Genome position (GRCh38, 1-based): chr4:184,657,315, A>G. VCF-style: chr4-184657315-A-G. GRCh37 (hg19) VCF-style: chr4-185578469-A-G.
Other names: c.175A>G, p.Lys59Glu (NM_001300768.2, NM_001345891.2, NM_001345892.2 and 4 more transcripts); c.-392A>G (NM_001345894.2, NM_001345897.2, NM_001345898.2); c.-73A>G (NM_001345900.2); c.-207-2025A>G (NM_001300767.2); c.-386-2025A>G (NM_001345901.2); short protein forms K59E.
Identifiers: ClinVar variation 3907472 (VCV003907472.1).